The following is an entry in ClinVar:

NM_014423.4(AFF4):c.2459C>G (p.Pro820Arg)

Gene: AFF4 (ALF transcription elongation factor 4; minus strand). Cytogenetic location: 5q31.1.
Variant type: single nucleotide variant.
Coding change: c.2459C>G on transcript NM_014423.4 (MANE Select); coding-DNA position 2459, C replaced by G.
Protein change: p.Pro820Arg; replaces proline 820 with arginine.
Molecular consequence: missense variant.
Genome position (GRCh38, 1-based): chr5:132,892,342, G>C on the plus strand (C>G on the coding strand, the complement: AFF4 is on the minus strand). VCF-style: chr5-132892342-G-C. GRCh37 (hg19) VCF-style: chr5-132228034-G-C.
Other names: short protein forms P820R.
Identifiers: ClinVar variation 2958021 (VCV002958021.3), dbSNP rs1351320849, ClinGen allele CA360929313.

ClinVar aggregate classification (germline): Uncertain significance (1 of 4 stars; one submission).

Conditions:
Cognitive impairment - coarse facies - heart defects - obesity - pulmonary involvement - short stature - skeletal dysplasia syndrome. Also called: COGNITIVE IMPAIRMENT, COARSE FACIES, HEART DEFECTS, OBESITY, PULMONARY INVOLVEMENT, SHORT STATURE, AND SKELETAL DYSPLASIA; Chops syndrome; AFF4-Related CHOPS Syndrome. Identifiers: Orphanet 444077, MedGen C4085597, MONDO:0014609, OMIM 616368.

Allele frequency attached by ClinVar (database versions not stated): gnomAD exomes below 0.00001.
gnomAD v4.1: 1 of 1,614,108 alleles (0.000062%); highest among the groups gnomAD compares: Admixed American, 0.0017%; no homozygotes.

Submission:

Labcorp Genetics (formerly Invitae), Labcorp
Classification: Uncertain significance for Cognitive impairment - coarse facies - heart defects - obesity - pulmonary involvement - short stature - skeletal dysplasia syndrome. Last evaluated: 2023-08-02. Review status: criteria provided, single submitter. Criteria: Invitae Variant Classification Sherloc (09022015). Collection method: clinical testing. Allele origin: germline.
Comment: This variant has not been reported in the literature in individuals affected with AFF4-related conditions. This variant is present in population databases (no rsID available, gnomAD 0.003%). This sequence change replaces proline, which is neutral and non-polar, with arginine, which is basic and polar, at codon 820 of the AFF4 protein (p.Pro820Arg). Advanced modeling of protein sequence and biophysical properties (such as structural, functional, and spatial information, amino acid conservation, physicochemical variation, residue mobility, and thermodynamic stability) performed at Invitae indicates that this missense variant is not expected to disrupt AFF4 protein function. In summary, the available evidence is currently insufficient to determine the role of this variant in disease. Therefore, it has been classified as a Variant of Uncertain Significance.